The following is an entry in ClinVar:

NM_001002294.3(FMO3):c.472G>A (p.Glu158Lys)

Genes: FMO3 (flavin containing dimethylaniline monoxygenase 3; plus strand), LOC126805916 (BRD4-independent group 4 enhancer GRCh37_chr1:171076844-171078043; plus strand). Cytogenetic location: 1q24.3.
Variant type: single nucleotide variant.
Coding change: c.472G>A on transcript NM_001002294.3 (MANE Select); coding-DNA position 472, G replaced by A.
Protein change: p.Glu158Lys; replaces glutamic acid 158 with lysine.
Molecular consequence: missense variant.
Genome position (GRCh38, 1-based): chr1:171,107,825, G>A. VCF-style: chr1-171107825-G-A. GRCh37 (hg19) VCF-style: chr1-171076966-G-A.
Other names: E158K; c.412G>A, p.Glu138Lys (NM_001319173.2); c.283G>A, p.Glu95Lys (NM_001319174.2); c.472G>A, p.Glu158Lys (NM_006894.6).
Identifiers: ClinVar variation 38394 (VCV000038394.23), dbSNP rs2266782, ClinGen allele CA038589.

ClinVar aggregate classification (germline): Benign/Likely benign. Review status: criteria provided, multiple submitters, no conflicts (2 of 4 stars). 12 submissions from 12 submitters: Benign (8); Likely benign (2). 2 of the submissions do not count toward it. Last evaluated 2026-02-04.

Conditions:
Trimethylaminuria (TMAU). Also called: FISH-ODOR SYNDROME; Fish malodor syndrome; Stale fish syndrome; TMAuria; Primary Trimethylaminuria. Identifiers: MedGen C0342739, MONDO:0011182, OMIM 602079, HP:0003614. Disease mechanism: loss of function.

Allele frequency attached by ClinVar (database versions not stated): 1000 Genomes Project 0.34784; 1000 Genomes Project 30x 0.34931; gnomAD exomes 0.37411 and 0.40212; ExAC 0.38297; TOPMed 0.40004; gnomAD 0.40810 and 0.41438.
gnomAD v4.1: 648,205 of 1,613,236 alleles (40%); highest among the groups gnomAD compares: African/African-American, 46%; 133,065 homozygotes.

Submissions (12):

Labcorp Genetics (formerly Invitae), Labcorp
Classification: Benign. Last evaluated: 2026-02-04. Review status: criteria provided, single submitter. Criteria: Invitae Variant Classification Sherloc (09022015). Collection method: clinical testing. Allele origin: germline.

Women's Health and Genetics/Laboratory Corporation of America, LabCorp
Classification: Likely benign. Last evaluated: 2025-09-29. Review status: criteria provided, single submitter. Criteria: LabCorp Variant Classification Summary - May 2015. Collection method: clinical testing. Allele origin: germline.

Blueprint Genetics
Classification: Likely benign. Last evaluated: 2024-11-26. Review status: criteria provided, single submitter. Criteria: ACMG Guidelines, 2015. Collection method: clinical testing. Allele origin: germline.

Fulgent Genetics
Classification: Benign for Trimethylaminuria. Last evaluated: 2024-04-25. Review status: criteria provided, single submitter. Criteria: ACMG Guidelines, 2015. Collection method: clinical testing. Allele origin: germline.

Laboratorio de Genetica e Diagnostico Molecular, Hospital Israelita Albert Einstein
Classification: Benign. Last evaluated: 2022-03-28. Review status: criteria provided, single submitter. Criteria: ACMG Guidelines, 2015. Collection method: clinical testing. Allele origin: germline. Affected: yes.
Comment: ACMG classification criteria: BA1, BS1, BP4

Genome-Nilou Lab
Classification: Benign for Trimethylaminuria. Last evaluated: 2021-08-10. Review status: criteria provided, single submitter. Criteria: ACMG Guidelines, 2015. Collection method: clinical testing. Allele origin: germline. Affected: no.

GeneDx
Classification: Benign. Last evaluated: 2021-05-06. Review status: criteria provided, single submitter. Criteria: GeneDx Variant Classification Process June 2021. Collection method: clinical testing. Allele origin: germline. Affected: yes.
Comment: In silico analysis supports that this missense variant does not alter protein structure/function; This variant is associated with the following publications: (PMID: 32653296, 23510775, 31240165, 19321370, 17531949, 10479479, 11773868, 23211429, 10896299, 23791655, 23266626, 17142560, 12814961, 9282831, 17584019, 25870212, 11136294)

Illumina Laboratory Services, Illumina
Classification: Benign for Trimethylaminuria. Last evaluated: 2018-03-06. Review status: criteria provided, single submitter. Criteria: ICSL Variant Classification Criteria 13 December 2019. Collection method: clinical testing. Allele origin: germline.
Comment: This variant was observed in the ICSL laboratory as part of a predisposition screen in an ostensibly healthy population. It had not been previously curated by ICSL or reported in the Human Gene Mutation Database (HGMD: prior to June 1st, 2018), and was therefore a candidate for classification through an automated scoring system. Utilizing variant allele frequency, disease prevalence and penetrance estimates, and inheritance mode, an automated score was calculated to assess if this variant is too frequent to cause the disease. Based on the score and internal cut-off values, a variant classified as benign is not then subjected to further curation. The score for this variant resulted in a classification of benign for this disease.

Breakthrough Genomics
Classification: Benign. Review status: criteria provided, single submitter. Criteria: ACMG Guidelines, 2015. Collection method: not provided. Allele origin: germline. Inheritance: Autosomal recessive inheritance. Affected: yes.

PreventionGenetics, part of Exact Sciences
Classification: Benign. Review status: criteria provided, single submitter. Criteria: ACMG Guidelines, 2015. Collection method: clinical testing. Allele origin: germline.

Diagnostic Laboratory, Department of Genetics, University Medical Center Groningen
Classification: Benign. Review status: no assertion criteria provided. Collection method: clinical testing. Allele origin: germline. Affected: yes. Study: VKGL Data-share Consensus. Not counted in ClinVar's aggregate classification.

Joint Genome Diagnostic Labs from Nijmegen and Maastricht, Radboudumc and MUMC+
Classification: Benign. Review status: no assertion criteria provided. Collection method: clinical testing. Allele origin: germline. Affected: yes. Study: VKGL Data-share Consensus. Not counted in ClinVar's aggregate classification.